The following is an entry in ClinVar:

NM_033380.3(COL4A5):c.2510G>A (p.Gly837Asp)

Gene: COL4A5 (collagen type IV alpha 5 chain; plus strand). Cytogenetic location: Xq22.3.
Variant type: single nucleotide variant.
Coding change: c.2510G>A on transcript NM_033380.3 (MANE Select); coding-DNA position 2510, G replaced by A.
Protein change: p.Gly837Asp; replaces glycine 837 with aspartic acid.
Molecular consequence: missense variant.
Genome position (GRCh38, 1-based): chrX:108,620,259, G>A. VCF-style: chrX-108620259-G-A. GRCh37 (hg19) VCF-style: chrX-107863489-G-A.
Other names: c.2510G>A, p.Gly837Asp (NM_000495.5); short protein forms G837D.
Identifiers: ClinVar variation 2831715 (VCV002831715.3), dbSNP rs2524395125, ClinGen allele CA413851226.

ClinVar aggregate classification (germline): Likely pathogenic (1 of 4 stars; one submission).

Submission:

Labcorp Genetics (formerly Invitae), Labcorp
Classification: Likely pathogenic. Last evaluated: 2023-01-24. Review status: criteria provided, single submitter. Criteria: Invitae Variant Classification Sherloc (09022015). Collection method: clinical testing. Allele origin: germline.
Comment: This missense change has been observed in individual(s) with Alport syndrome (Invitae). Algorithms developed to predict the effect of missense changes on protein structure and function are either unavailable or do not agree on the potential impact of this missense change (SIFT: "Deleterious"; PolyPhen-2: "Not Available"; Align-GVGD: "Class C65"). This variant disrupts the triple helix domain of COL4A5. Glycine residues within the Gly-Xaa-Yaa repeats of the triple helix domain are required for the structure and stability of fibrillar collagens (PMID: 7695699, 8218237, 19344236). In COL4A5, missense variants at these glycine residues are significantly enriched in individuals with disease (PMID: 23720012, 27627812) compared to the general population (ExAC). In summary, the currently available evidence indicates that the variant is pathogenic, but additional data are needed to prove that conclusively. Therefore, this variant has been classified as Likely Pathogenic. This variant is not present in population databases (gnomAD no frequency). This sequence change replaces glycine, which is neutral and non-polar, with aspartic acid, which is acidic and polar, at codon 837 of the COL4A5 protein (p.Gly837Asp).

Literature cited by the submitters: PubMed 7695699; PubMed 8218237; PubMed 19344236; PubMed 23720012; PubMed 27627812.